The following is an entry in ClinVar:

ClinVar aggregate classification (germline): Uncertain significance (1 of 4 stars; one submission).

Allele frequency attached by ClinVar (database versions not stated): TOPMed 0.00002; ExAC 0.00008; 1000 Genomes Project 0.00020; 1000 Genomes Project 30x 0.00031.

Submission:

Labcorp Genetics (formerly Invitae), Labcorp
Classification: Uncertain significance. Last evaluated: 2023-12-20. Review status: criteria provided, single submitter. Criteria: Invitae Variant Classification Sherloc (09022015). Collection method: clinical testing. Allele origin: germline.
Comment: This sequence change replaces arginine, which is basic and polar, with histidine, which is basic and polar, at codon 429 of the SLC19A1 protein (p.Arg429His). This variant is present in population databases (rs201019287, gnomAD 0.04%). This variant has not been reported in the literature in individuals affected with SLC19A1-related conditions. Algorithms developed to predict the effect of missense changes on protein structure and function output the following: SIFT: "Not Available"; PolyPhen-2: "Benign"; Align-GVGD: "Not Available". The histidine amino acid residue is found in multiple mammalian species, which suggests that this missense change does not adversely affect protein function. In summary, the available evidence is currently insufficient to determine the role of this variant in disease. Therefore, it has been classified as a Variant of Uncertain Significance.

NM_194255.4(SLC19A1):c.1286G>A (p.Arg429His)

Gene: SLC19A1 (solute carrier family 19 member 1; minus strand). Cytogenetic location: 21q22.3.
Variant type: single nucleotide variant.
Coding change: c.1286G>A on transcript NM_194255.4 (MANE Select); coding-DNA position 1286, G replaced by A.
Protein change: p.Arg429His; replaces arginine 429 with histidine.
Molecular consequence: missense variant.
Genome position (GRCh38, 1-based): chr21:45,525,824, C>T on the plus strand (G>A on the coding strand, the complement: SLC19A1 is on the minus strand). VCF-style: chr21-45525824-C-T. GRCh37 (hg19) VCF-style: chr21-46945738-C-T.
Other names: c.1286G>A, p.Arg429His (NM_001205206.4, NM_001352511.3, NM_001352512.2); c.1166G>A, p.Arg389His (NM_001205207.3); c.932G>A, p.Arg311His (NM_001352510.2); short protein forms R389H, R429H, R311H.
Identifiers: ClinVar variation 3013223 (VCV003013223.3), dbSNP rs201019287, ClinGen allele CA10068348.